The following is an entry in ClinVar:

NM_014714.4(IFT140):c.3671C>T (p.Ala1224Val)

Gene: IFT140 (intraflagellar transport 140; minus strand). Cytogenetic location: 16p13.3.
Variant type: single nucleotide variant.
Coding change: c.3671C>T on transcript NM_014714.4 (MANE Select); coding-DNA position 3671, C replaced by T.
Protein change: p.Ala1224Val; replaces alanine 1224 with valine.
Molecular consequence: missense variant.
Genome position (GRCh38, 1-based): chr16:1,520,333, G>A on the plus strand (C>T on the coding strand, the complement: IFT140 is on the minus strand). VCF-style: chr16-1520333-G-A. GRCh37 (hg19) VCF-style: chr16-1570334-G-A.
Other names: short protein forms A1224V.
Identifiers: ClinVar variation 1014771 (VCV001014771.6), dbSNP rs369161842, ClinGen allele CA7813065.

ClinVar aggregate classification (germline): Uncertain significance. Review status: criteria provided, multiple submitters, no conflicts (2 of 4 stars). 3 submissions from 3 submitters: Uncertain significance (3). Last evaluated 2022-07-18.

Conditions:
Retinitis pigmentosa 80 (RP80). Identifiers: MedGen C4540439, MONDO:0054708, OMIM 617781.
Saldino-Mainzer syndrome (SRTD9). Also called: CONORENAL SYNDROME; Renal dysplasia, retinal pigmentary dystrophy, cerebellar ataxia and skeletal dysplasia; short-rib thoracic dysplasia 9 with or without polydactyly; SHORT-RIB THORACIC DYSPLASIA 9 WITHOUT POLYDACTYLY. Identifiers: Orphanet 140969, MedGen C1849437, MONDO:0009964, OMIM 266920.

Allele frequency attached by ClinVar (database versions not stated): gnomAD exomes 0.00002; ExAC 0.00003; TOPMed 0.00004; ESP Exome Variant Server 0.00008.
gnomAD v4.1: 28 of 1,613,906 alleles (0.0017%); highest among the groups gnomAD compares: African/African-American, 0.004%; no homozygotes.

Submissions (3):

Labcorp Genetics (formerly Invitae), Labcorp
Classification: Uncertain significance for Saldino-Mainzer syndrome. Last evaluated: 2022-07-18. Review status: criteria provided, single submitter. Criteria: Invitae Variant Classification Sherloc (09022015). Collection method: clinical testing. Allele origin: germline.
Comment: This sequence change replaces alanine, which is neutral and non-polar, with valine, which is neutral and non-polar, at codon 1224 of the IFT140 protein (p.Ala1224Val). This variant is present in population databases (rs369161842, gnomAD 0.007%). This variant has not been reported in the literature in individuals affected with IFT140-related conditions. ClinVar contains an entry for this variant (Variation ID: 1014771). Algorithms developed to predict the effect of missense changes on protein structure and function are either unavailable or do not agree on the potential impact of this missense change (SIFT: "Deleterious"; PolyPhen-2: "Probably Damaging"; Align-GVGD: "Class C0"). In summary, the available evidence is currently insufficient to determine the role of this variant in disease. Therefore, it has been classified as a Variant of Uncertain Significance.

Fulgent Genetics
Classification: Uncertain significance for Saldino-Mainzer syndrome; Retinitis pigmentosa 80. Last evaluated: 2022-02-24. Review status: criteria provided, single submitter. Criteria: ACMG Guidelines, 2015. Collection method: clinical testing. Allele origin: unknown.

GeneDx
Classification: Uncertain significance. Last evaluated: 2020-06-25. Review status: criteria provided, single submitter. Criteria: GeneDx Variant Classification Process June 2021. Collection method: clinical testing. Allele origin: germline. Affected: yes.
Comment: In silico analysis supports that this missense variant has a deleterious effect on protein structure/function; Has not been previously published as pathogenic or benign to our knowledge